The following is an entry in ClinVar:

ClinVar aggregate classification (germline): Uncertain significance (1 of 4 stars; one submission).

Conditions:
Cardiomyopathy (CMYO). Also called: Cardiomyopathies. Identifiers: Orphanet 167848, MedGen C0878544, MONDO:0004994, HP:0001638. Inheritance: Various modes of inheritance.

Submission:

Color Diagnostics, LLC DBA Color Health
Classification: Uncertain significance for Cardiomyopathy. Last evaluated: 2024-03-06. Review status: criteria provided, single submitter. Criteria: ACMG Guidelines, 2015. Collection method: clinical testing. Allele origin: germline.
Comment: This missense variant replaces aspartic acid with valine at codon 185 of the LMNA protein. Computational prediction suggests that this variant may have deleterious impact on protein structure and function (internally defined REVEL score threshold >= 0.7, PMID: 27666373). Splice site prediction tools suggest that this variant may not impact RNA splicing. To our knowledge, functional studies have not been performed for this variant. This variant has not been reported in individuals affected with cardiovascular disorders in the literature. This variant has not been identified in the general population by the Genome Aggregation Database (gnomAD). The available evidence is insufficient to determine the role of this variant in disease conclusively. Therefore, this variant is classified as a Variant of Uncertain Significance.

NM_170707.4(LMNA):c.554A>T (p.Asp185Val)

Gene: LMNA (lamin A/C; plus strand). Cytogenetic location: 1q22.
Variant type: single nucleotide variant.
Coding change: c.554A>T on transcript NM_170707.4 (MANE Select); coding-DNA position 554, A replaced by T.
Protein change: p.Asp185Val; replaces aspartic acid 185 with valine.
Molecular consequence: missense variant.
Genome position (GRCh38, 1-based): chr1:156,134,443, A>T. VCF-style: chr1-156134443-A-T. GRCh37 (hg19) VCF-style: chr1-156104234-A-T.
Other names: c.218A>T, p.Asp73Val (NM_001257374.3); c.311A>T, p.Asp104Val (NM_001282624.2); c.554A>T, p.Asp185Val (NM_001282625.2, NM_001282626.2, NM_005572.4 and 1 more transcripts); short protein forms D73V, D104V, D185V.
Identifiers: ClinVar variation 918741 (VCV000918741.4), dbSNP rs1651341345, ClinGen allele CA342816815.